The following is an entry in ClinVar:

NM_020971.3(SPTBN4):c.1917G>A (p.Glu639=)

Gene: SPTBN4 (spectrin beta, non-erythrocytic 4; plus strand). Cytogenetic location: 19q13.2.
Variant type: single nucleotide variant.
Coding change: c.1917G>A on transcript NM_020971.3 (MANE Select); coding-DNA position 1917, G replaced by A.
Protein change: p.Glu639=; no amino-acid change (glutamic acid 639 retained).
Molecular consequence: synonymous variant.
Genome position (GRCh38, 1-based): chr19:40,512,706, G>A. VCF-style: chr19-40512706-G-A. GRCh37 (hg19) VCF-style: chr19-41018613-G-A.
Identifiers: ClinVar variation 4872547 (VCV004872547.3).

ClinVar aggregate classification (germline): Likely benign. Review status: criteria provided, multiple submitters, no conflicts (2 of 4 stars). 2 submissions from 2 submitters: Likely benign (2). Last evaluated 2026-06-01.

gnomAD v4.1: 202 of 1,525,884 alleles (0.013%); highest among the groups gnomAD compares: Admixed American, 0.03%; no homozygotes.

Submissions (2):

CeGaT Center for Human Genetics Tuebingen
Classification: Likely benign. Last evaluated: 2026-06-01. Review status: criteria provided, single submitter. Criteria: CeGaT Center For Human Genetics Tuebingen Variant Classification Criteria Version 2. Collection method: clinical testing. Allele origin: germline. Affected: yes. Observed: 1 variant allele.
Comment: SPTBN4: BP4, BP7

Blueprint Genetics
Classification: Likely benign. Last evaluated: 2024-10-02. Review status: criteria provided, single submitter. Criteria: ACMG Guidelines, 2015. Collection method: clinical testing. Allele origin: germline.